The following is an entry in ClinVar:

NM_001367916.1(MAGT1):c.89A>G (p.Gln30Arg)

Genes: MAGT1 (magnesium transporter 1; minus strand), LOC130068460 (ATAC-STARR-seq lymphoblastoid active region 29781; plus strand). Cytogenetic location: Xq21.1.
Variant type: single nucleotide variant.
Coding change: c.89A>G on transcript NM_001367916.1 (MANE Select); coding-DNA position 89, A replaced by G.
Protein change: p.Gln30Arg; replaces glutamine 30 with arginine.
Molecular consequence: missense variant.
Genome position (GRCh38, 1-based): chrX:77,895,322, T>C on the plus strand (A>G on the coding strand, the complement: MAGT1 is on the minus strand). VCF-style: chrX-77895322-T-C. GRCh37 (hg19) VCF-style: chrX-77150819-T-C.
Other names: p.Gln62Arg; c.185A>G, p.Gln62Arg (NM_032121.5); short protein forms Q62R, Q30R.
Identifiers: ClinVar variation 1039528 (VCV001039528.11), dbSNP rs151126473, ClinGen allele CA10458598.

ClinVar aggregate classification (germline): Conflicting classifications of pathogenicity. Review status: criteria provided, conflicting classifications (1 of 4 stars). 3 submissions from 3 submitters: Uncertain significance (1); Benign (1); Likely benign (1). Last evaluated 2026-01-26.

Conditions:
Inborn genetic diseases. Identifiers: MedGen C0950123, MeSH D030342.
X-linked immunodeficiency with magnesium defect, Epstein-Barr virus infection and neoplasia. Identifiers: Orphanet 317476, MedGen C3275445, MONDO:0010455, OMIM 300853.

Allele frequency attached by ClinVar (database versions not stated): gnomAD exomes 0.00003 and 0.00004; ExAC 0.00004; ESP Exome Variant Server 0.00009; gnomAD 0.00020 and 0.00029; TOPMed 0.00021.
gnomAD v4.1: 51 of 1,210,758 alleles (0.0042%); highest among the groups gnomAD compares: African/African-American, 0.078%; no homozygotes.

Submissions (3):

Labcorp Genetics (formerly Invitae), Labcorp
Classification: Benign for X-linked immunodeficiency with magnesium defect, Epstein-Barr virus infection and neoplasia. Last evaluated: 2026-01-26. Review status: criteria provided, single submitter. Criteria: Invitae Variant Classification Sherloc (09022015). Collection method: clinical testing. Allele origin: germline.

Ambry Genetics
Classification: Uncertain significance for Inborn genetic diseases. Last evaluated: 2025-07-12. Review status: criteria provided, single submitter. Criteria: Ambry Variant Classification Scheme 2023. Collection method: clinical testing. Allele origin: germline.

Mayo Clinic Laboratories, Mayo Clinic
Classification: Likely benign. Last evaluated: 2025-03-05. Review status: criteria provided, single submitter. Criteria: ACMG Guidelines, 2015. Collection method: clinical testing. Allele origin: germline. Observed: 1 variant allele.
Comment: BS1, BP4_moderate